The following is an entry in ClinVar:

NM_206933.2(USH2A):c.3902G>T (p.Gly1301Val)

Genes: USH2A-AS1 (USH2A antisense RNA 1; plus strand), USH2A (usherin; minus strand). Cytogenetic location: 1q41.
Variant type: single nucleotide variant.
Coding change: c.3902G>T on transcript NM_206933.2; coding-DNA position 3902, G replaced by T.
Protein change: p.Gly1301Val; replaces glycine 1301 with valine.
Genome position (GRCh38, 1-based): chr1:216,198,494, C>A on the plus strand (G>T on the coding strand, the complement: USH2A is on the minus strand). VCF-style: chr1-216198494-C-A. GRCh37 (hg19) VCF-style: chr1-216371836-C-A.
Other names: c.3902G>T, p.Gly1301Val (NM_007123.6, NM_206933.4); short protein forms G1301V.
Identifiers: ClinVar variation 48509 (VCV000048509.102), dbSNP rs111033524, ClinGen allele CA143472.

ClinVar aggregate classification (germline): Benign. Review status: reviewed by expert panel (3 of 4 stars). 19 submissions from 17 submitters: Benign (1). 18 of the submissions do not count toward it. Last evaluated 2024-03-20.

Conditions:
Usher syndrome. Also called: Usher Syndromes; Usher's syndrome. Identifiers: Orphanet 886, MedGen CN469326, MeSH D052245, MONDO:0019501. Disease mechanism: loss of function.
USH2A-related disorder. Also called: USH2A-related disorders; USH2A-related condition. Identifiers: MedGen CN239332.
Retinitis pigmentosa 39 (RP39). Identifiers: Orphanet 791, MedGen C3151138, MONDO:0013436, OMIM 613809.
Usher syndrome type 2A. Also called: USHER SYNDROME, TYPE IIA; RETINAL DISEASE IN USHER SYNDROME TYPE IIA, MODIFIER OF. Identifiers: Orphanet 231178, Orphanet 886, MedGen C1848634, MONDO:0010169, OMIM 276901.
Retinitis pigmentosa (RP). Identifiers: Orphanet 791, MedGen C0035334, MeSH D012174, MONDO:0019200, OMIM 268000. Inheritance: Autosomal dominant, autosomal recessive and X linked inheritance.
Usher syndrome type 1 (USH1). Also called: RETINITIS PIGMENTOSA AND CONGENITAL DEAFNESS. Identifiers: Orphanet 231169, Orphanet 886, MedGen C1568247, MONDO:0010168, OMIM 276900.

Allele frequency attached by ClinVar (database versions not stated): ESP Exome Variant Server 0.00008; gnomAD 0.00008 and 0.00027; TOPMed 0.00013; 1000 Genomes Project 30x 0.00078; 1000 Genomes Project 0.00080.
gnomAD v4.1: 653 of 1,614,010 alleles (0.04%); highest among the groups gnomAD compares: South Asian, 0.51%; 4 homozygotes.

Submissions (19):

ClinGen Hearing Loss Variant Curation Expert Panel
Classification: Benign for Usher syndrome. Last evaluated: 2024-03-20. Review status: reviewed by expert panel. Criteria: Clingen Hl Acmg Specifications Cdh23 Coch Gjb2 Kcnq4 Myo6 Myo7a Slc26a4 Tecta Ush2a V2. Collection method: curation. Allele origin: germline. Inheritance: Autosomal recessive inheritance.
Comment: The c.3902G>T variant in USH2A is a missense variant predicted to cause substitution of glycine by valine at amino acid 1301 (p.Gly1301Val). The highest population filtering allele frequency with a confidence interval of 0.95 in gnomAD v4.0.0 is 0.5% (469/91078) with 4 homozygotes in the South Asian population, which meets the ClinGen Hearing Loss VCEP criteria for BA1 (>=0.5%). The computational predictor REVEL gives a score of 0.218, which is neither above nor below the thresholds predicting a damaging or benign impact on USH2A function. While this variant has been reported in several individuals with clinical features of USH2A-related disorders, there are no case-control studies and several affected individuals had an alternate cause of disease identified (PMID:21569298, 25649381, 26927203, 32531858). In summary, this variant meets the criteria to be classified as benign, based on the ACMG/AMP criteria applied, as specified by the ClinGen Hearing Loss VCEP (BA1, ClinGen Hearing Loss VCEP specifications version 2, 03.20.2024).

PreventionGenetics, part of Exact Sciences
Classification: Benign for USH2A-related condition. Last evaluated: 2026-05-07. Review status: criteria provided, single submitter. Criteria: ACMG Guidelines, 2015. Collection method: clinical testing. Allele origin: germline. Not counted in ClinVar's aggregate classification.
Comment: This variant is classified as benign based on ACMG/AMP sequence variant interpretation guidelines (Richards et al. 2015 PMID: 25741868, with internal and published modifications).

Labcorp Genetics (formerly Invitae), Labcorp
Classification: Benign. Last evaluated: 2026-02-01. Review status: criteria provided, single submitter. Criteria: Invitae Variant Classification Sherloc (09022015). Collection method: clinical testing. Allele origin: germline. Not counted in ClinVar's aggregate classification.

Women's Health and Genetics/Laboratory Corporation of America, LabCorp
Classification: Likely benign. Last evaluated: 2025-12-08. Review status: criteria provided, single submitter. Criteria: LabCorp Variant Classification Summary - May 2015. Collection method: clinical testing. Allele origin: germline. Not counted in ClinVar's aggregate classification.
Comment: Variant summary: USH2A c.3902G>T (p.Gly1301Val) results in a non-conservative amino acid change in the encoded protein sequence. Algorithms developed to predict the effect of missense changes on protein structure and function are either unavailable or do not agree on the potential impact of this missense change. The variant allele was found at a frequency of 0.00083 in 250898 control chromosomes, predominantly at a frequency of 0.006 within the South Asian subpopulation in the gnomAD database, including 1 homozygote. c.3902G>T has been observed in individuals affected with inherited retinal disease including retinitis pigmentosa (e.g. Pierrache_2016, Weisschuh_2020, Lin_2024). These reports do not provide unequivocal conclusions about association of the variant with Usher Syndrome. Co-occurrence with another pathogenic variant has been reported in an Usher syndrom patient (MYO7A c.3904del, p.Tyr1302fs, Bonnet_2011), providing supporting evidence for a benign role. To our knowledge, no experimental evidence demonstrating an impact on protein function has been reported. The following publications have been ascertained in the context of this evaluation (PMID: 21569298, 26927203, 32531858, 38219857). ClinVar contains an entry for this variant (Variation ID: 48509). Based on the evidence outlined above, the variant was classified as likely benign.

Blueprint Genetics
Classification: Likely benign. Last evaluated: 2024-08-22. Review status: criteria provided, single submitter. Criteria: ACMG Guidelines, 2015. Collection method: clinical testing. Allele origin: germline. Not counted in ClinVar's aggregate classification.

CeGaT Center for Human Genetics Tuebingen
Classification: Likely benign. Last evaluated: 2023-07-01. Review status: criteria provided, single submitter. Criteria: CeGaT Center For Human Genetics Tuebingen Variant Classification Criteria Version 2. Collection method: clinical testing. Allele origin: germline. Affected: yes. Observed: 4 variant alleles. Not counted in ClinVar's aggregate classification.
Comment: USH2A: BP4

Fulgent Genetics
Classification: Likely benign for Usher syndrome type 2A; Retinitis pigmentosa 39. Last evaluated: 2022-04-20. Review status: criteria provided, single submitter. Criteria: ACMG Guidelines, 2015. Collection method: clinical testing. Allele origin: unknown. Not counted in ClinVar's aggregate classification.

Genome-Nilou Lab
Classification: Benign for Retinitis pigmentosa 39. Last evaluated: 2021-07-22. Review status: criteria provided, single submitter. Criteria: ACMG Guidelines, 2015. Collection method: clinical testing. Allele origin: germline. Affected: no. Not counted in ClinVar's aggregate classification.

Genome-Nilou Lab
Classification: Benign for Usher syndrome type 2A. Last evaluated: 2021-06-10. Review status: criteria provided, single submitter. Criteria: ACMG Guidelines, 2015. Collection method: clinical testing. Allele origin: germline. Affected: no. Not counted in ClinVar's aggregate classification.

Ocular Genomics Institute, Massachusetts Eye and Ear
Classification: Benign for Retinitis pigmentosa 39. Last evaluated: 2021-04-08. Review status: criteria provided, single submitter. Criteria: ACMG Guidelines, 2015. Collection method: research. Allele origin: germline. Affected: yes. Not counted in ClinVar's aggregate classification.
Comment: Through a review of available evidence we were able to apply the following criteria: BP5, BA1, PP3. Based on this evidence we have classified this variant as Benign.

Mendelics
Classification: Benign for Usher syndrome type 2A. Last evaluated: 2019-05-28. Review status: criteria provided, single submitter. Criteria: Mendelics Assertion Criteria 2017. Collection method: clinical testing. Allele origin: unknown. Not counted in ClinVar's aggregate classification.

GeneDx
Classification: Likely benign. Last evaluated: 2019-01-17. Review status: criteria provided, single submitter. Criteria: GeneDx Variant Classification Process June 2021. Collection method: clinical testing. Allele origin: germline. Affected: yes. Not counted in ClinVar's aggregate classification.
Comment: See Variant Classification Assertion Criteria.

ARUP Laboratories, Molecular Genetics and Genomics, ARUP Laboratories
Classification: Uncertain significance. Last evaluated: 2018-06-22. Review status: criteria provided, single submitter. Criteria: ARUP Molecular Germline Variant Investigation Process. Collection method: clinical testing. Allele origin: germline. Not counted in ClinVar's aggregate classification.
Comment: The USH2A c.3902G>T; p.Gly1301Val variant (rs111033524) is reported in the medical literature in individuals with Usher syndrome and retinitis pigmentosa, however, one of these individuals also carried an alternate molecular explanation for disease (Bonnet 2011, Pierrache 2016). The variant is reported with discrepant classifications in the ClinVar database (Variation ID: 48509) and in the Genome Aggregation Database in 0.6% (184/30778 alleles) of the South Asian population. The glycine at this codon is moderately conserved but computational analyses (SIFT:Tolerated, PolyPhen-2: Probably Damaging) predict conflicting effects of this variant on protein structure/function. Although there is information indicating this variant may not be pathogenic, there is insufficient evidence to classify the variant with certainty. Pathogenic USH2A variants are causative for autosomal recessive Usher syndrome (MIM: 276901) and retintitis pigmentosa (MIM: 613809). References: Bonnet C et al. Complete exon sequencing of all known Usher syndrome genes greatly improves molecular diagnosis. Orphanet J Rare Dis. 2011 May 11;6:21. Pierrache LH et al. Visual Prognosis in USH2A-Associated Retinitis Pigmentosa Is Worse for Patients with Usher Syndrome Type IIa Than for Those with Nonsyndromic Retinitis Pigmentosa. Ophthalmology. 2016 May;123(5):1151-60.

Illumina Laboratory Services, Illumina
Classification: Uncertain significance for Retinitis pigmentosa. Last evaluated: 2017-04-28. Review status: criteria provided, single submitter. Criteria: ICSL Variant Classification Criteria 13 December 2019. Collection method: clinical testing. Allele origin: germline. Not counted in ClinVar's aggregate classification.

Illumina Laboratory Services, Illumina
Classification: Uncertain significance for Usher syndrome type 2A. Last evaluated: 2017-04-28. Review status: criteria provided, single submitter. Criteria: ICSL Variant Classification Criteria 13 December 2019. Collection method: clinical testing. Allele origin: germline. Not counted in ClinVar's aggregate classification.
Comment: This variant was observed as part of a predisposition screen in an ostensibly healthy population. A literature search was performed for the gene, cDNA change, and amino acid change (where applicable). Publications were found based on this search. However, the evidence from the literature, in combination with allele frequency data from public databases where available, was not sufficient to rule this variant in or out of causing disease. Therefore, this variant is classified as a variant of unknown significance.

Laboratory for Molecular Medicine, Mass General Brigham Personalized Medicine
Classification: Likely benign. Last evaluated: 2010-04-22. Review status: criteria provided, single submitter. Criteria: LMM Criteria. Collection method: clinical testing. Allele origin: germline. Observed: 1 variant allele. Not counted in ClinVar's aggregate classification.

NIHR Bioresource Rare Diseases, University of Cambridge
Classification: Likely pathogenic for Retinitis pigmentosa. Last evaluated: 2015-01-01. Review status: no assertion criteria provided. Collection method: research. Allele origin: unknown. Affected: yes. Observed: 1 variant allele. Not counted in ClinVar's aggregate classification.

SN ONGC Dept of Genetics and Molecular biology Vision Research Foundation
Classification: Likely pathogenic for Usher syndrome. Last evaluated: 2022-12-31. Review status: flagged submission. Criteria: ACMG Guidelines, 2015. Collection method: research. Allele origin: unknown. Affected: yes. Observed: 2 variant alleles, 2 heterozygotes. Not counted in ClinVar's aggregate classification.
ClinVar note: Reason: Conflicts with expert reviewed submission without evidence to support different classification

GeneReviews
Classification: Likely pathogenic for Usher syndrome type 1. Last evaluated: 2016-05-19. Review status: flagged submission. Collection method: literature only. Allele origin: germline. Affected: yes. Not counted in ClinVar's aggregate classification.
ClinVar note: Reason: Conflicts with expert reviewed submission without evidence to support different classification

Literature cited by the submitters: PubMed 21569298 (cited by 5 submitters); PubMed 26927203 (cited by Women's Health and Genetics/Laboratory Corporation of America, LabCorp and Ocular Genomics Institute, Massachusetts Eye and Ear); PubMed 32531858 (cited by Women's Health and Genetics/Laboratory Corporation of America, LabCorp); PubMed 38219857 (cited by Women's Health and Genetics/Laboratory Corporation of America, LabCorp); PubMed 20301442 (cited by Ocular Genomics Institute, Massachusetts Eye and Ear); PubMed 28041643 (cited by Ocular Genomics Institute, Massachusetts Eye and Ear and NIHR Bioresource Rare Diseases, University of Cambridge); PubMed 30245029 (cited by Ocular Genomics Institute, Massachusetts Eye and Ear).